The following is an entry in ClinVar:

ClinVar aggregate classification (germline): Uncertain significance. Review status: criteria provided, multiple submitters, no conflicts (2 of 4 stars). 2 submissions from 2 submitters: Uncertain significance (2). Last evaluated 2022-03-04.

Conditions:
DNA ligase IV deficiency. Identifiers: Orphanet 99812, MedGen C1847827, MONDO:0011686, OMIM 606593.

Allele frequency attached by ClinVar (database versions not stated): gnomAD exomes below 0.00001 and 0.00001; gnomAD 0.00001; TOPMed 0.00003.

Submissions (2):

GeneDx
Classification: Uncertain significance. Last evaluated: 2022-03-04. Review status: criteria provided, single submitter. Criteria: GeneDx Variant Classification Process June 2021. Collection method: clinical testing. Allele origin: germline. Affected: yes.
Comment: Not observed at a significant frequency in large population cohorts (gnomAD); In silico analysis supports that this missense variant does not alter protein structure/function; Has not been previously published as pathogenic or benign to our knowledge

Labcorp Genetics (formerly Invitae), Labcorp
Classification: Uncertain significance for DNA ligase IV deficiency. Last evaluated: 2022-02-06. Review status: criteria provided, single submitter. Criteria: Invitae Variant Classification Sherloc (09022015). Collection method: clinical testing. Allele origin: germline.
Comment: This sequence change replaces isoleucine, which is neutral and non-polar, with threonine, which is neutral and polar, at codon 415 of the LIG4 protein (p.Ile415Thr). This variant is present in population databases (no rsID available, gnomAD 0.0009%). This variant has not been reported in the literature in individuals affected with LIG4-related conditions. ClinVar contains an entry for this variant (Variation ID: 1314138). Algorithms developed to predict the effect of missense changes on protein structure and function (SIFT, PolyPhen-2, Align-GVGD) all suggest that this variant is likely to be tolerated. In summary, the available evidence is currently insufficient to determine the role of this variant in disease. Therefore, it has been classified as a Variant of Uncertain Significance.

NM_206937.2(LIG4):c.1244T>C (p.Ile415Thr)

Gene: LIG4 (DNA ligase 4; minus strand). Cytogenetic location: 13q33.3.
Variant type: single nucleotide variant.
Coding change: c.1244T>C on transcript NM_206937.2 (MANE Select); coding-DNA position 1244, T replaced by C.
Protein change: p.Ile415Thr; replaces isoleucine 415 with threonine.
Molecular consequence: missense variant.
Genome position (GRCh38, 1-based): chr13:108,210,025, A>G on the plus strand (T>C on the coding strand, the complement: LIG4 is on the minus strand). VCF-style: chr13-108210025-A-G. GRCh37 (hg19) VCF-style: chr13-108862373-A-G.
Other names: c.1244T>C, p.Ile415Thr (NM_001098268.2, NM_001352598.2, NM_001352599.2 and 6 more transcripts); c.1043T>C, p.Ile348Thr (NM_001330595.2); c.1280T>C, p.Ile427Thr (NM_001352604.2); short protein forms I348T, I415T, I427T.
Identifiers: ClinVar variation 1314138 (VCV001314138.4), dbSNP rs1216434992, ClinGen allele CA388617989.